The following is an entry in ClinVar:

ClinVar aggregate classification (germline): Conflicting classifications of pathogenicity. Review status: criteria provided, conflicting classifications (1 of 4 stars). 2 submissions from 2 submitters: Uncertain significance (1); Likely benign (1). Last evaluated 2022-11-07.

Conditions:
KBG syndrome (KBGS). Also called: ANKRD11-Related KBG Syndrome. Identifiers: Orphanet 2332, MedGen C0220687, MONDO:0007846, OMIM 148050.
Inborn genetic diseases. Identifiers: MedGen C0950123, MeSH D030342.

Allele frequency attached by ClinVar (database versions not stated): gnomAD 0.00003; ExAC 0.00001; gnomAD exomes 0.00002; TOPMed 0.00002.
gnomAD v4.1: 38 of 1,613,558 alleles (0.0024%); highest among the groups gnomAD compares: Non-Finnish European, 0.0031%; no homozygotes.

Submissions (2):

Labcorp Genetics (formerly Invitae), Labcorp
Classification: Uncertain significance for KBG syndrome. Last evaluated: 2022-11-07. Review status: criteria provided, single submitter. Criteria: Invitae Variant Classification Sherloc (09022015). Collection method: clinical testing. Allele origin: germline.
Comment: In summary, the available evidence is currently insufficient to determine the role of this variant in disease. Therefore, it has been classified as a Variant of Uncertain Significance. Advanced modeling of protein sequence and biophysical properties (such as structural, functional, and spatial information, amino acid conservation, physicochemical variation, residue mobility, and thermodynamic stability) performed at Invitae indicates that this missense variant is not expected to disrupt ANKRD11 protein function. This variant has not been reported in the literature in individuals affected with ANKRD11-related conditions. This variant is present in population databases (rs753250848, gnomAD 0.004%). This sequence change replaces alanine, which is neutral and non-polar, with proline, which is neutral and non-polar, at codon 1191 of the ANKRD11 protein (p.Ala1191Pro).

Ambry Genetics
Classification: Likely benign for Inborn genetic diseases. Last evaluated: 2018-10-09. Review status: criteria provided, single submitter. Criteria: Ambry Variant Classification Scheme 2023. Collection method: clinical testing. Allele origin: germline.

NM_013275.6(ANKRD11):c.3571G>C (p.Ala1191Pro)

Gene: ANKRD11 (ankyrin repeat domain 11; minus strand). Cytogenetic location: 16q24.3.
Variant type: single nucleotide variant.
Coding change: c.3571G>C on transcript NM_013275.6 (MANE Select); coding-DNA position 3571, G replaced by C.
Protein change: p.Ala1191Pro; replaces alanine 1191 with proline.
Molecular consequence: missense variant.
Genome position (GRCh38, 1-based): chr16:89,282,971, C>G on the plus strand (G>C on the coding strand, the complement: ANKRD11 is on the minus strand). VCF-style: chr16-89282971-C-G. GRCh37 (hg19) VCF-style: chr16-89349379-C-G.
Other names: c.3571G>C, p.Ala1191Pro (NM_001256182.2, NM_001256183.2); short protein forms A1191P.
Identifiers: ClinVar variation 1732807 (VCV001732807.5), dbSNP rs753250848, ClinGen allele CA8242335.
Genomic context (GRCh38, chr16:89,282,971, plus strand): 5'-TATCCTTCTTCTCCTTGTGCTTTTCAAAGACTTTCTCTTTTTTGTCTCTCCCCGCGTCGG[C>G]AGCCCCTCGGTCCTTTCTCCTGTCTCTGGGCTCCTTGTCCTTCTGCCTCTCAGGGTGCTG-3'
Protein context (NP_037407.4, residues 1181-1201): PRDRRKDRGA[Ala1191Pro]DAGRDKKEKV